The following is an entry in ClinVar:

NM_024642.5(GALNT12):c.145G>C (p.Glu49Gln)

Gene: GALNT12 (polypeptide N-acetylgalactosaminyltransferase 12; plus strand). Cytogenetic location: 9q22.33.
Variant type: single nucleotide variant.
Coding change: c.145G>C on transcript NM_024642.5 (MANE Select); coding-DNA position 145, G replaced by C.
Protein change: p.Glu49Gln; replaces glutamic acid 49 with glutamine.
Molecular consequence: missense variant.
Genome position (GRCh38, 1-based): chr9:98,807,843, G>C. VCF-style: chr9-98807843-G-C. GRCh37 (hg19) VCF-style: chr9-101570125-G-C.
Other names: short protein forms E49Q.
Identifiers: ClinVar variation 1773133 (VCV001773133.2), dbSNP rs1484373258, ClinGen allele CA374222398.
Genomic context (GRCh38, chr9:98,807,843, plus strand): 5'-GCGTTGGCCGGGCTGGGCTCGGTGCTGCGGGCGCAGCGTGGGGCCGGGGCCGGGGCTGCC[G>C]AGCCGGGACCCCCGCGCACCCCGCGCCCCGGGCGGCGCGAGCCGGTCATGCCGCGGCCGC-3'
Protein context (NP_078918.3, residues 39-59): AQRGAGAGAA[Glu49Gln]PGPPRTPRPG

ClinVar aggregate classification (germline): Uncertain significance (1 of 4 stars; one submission).

Submission:

Ambry Genetics
Classification: Uncertain significance. Last evaluated: 2021-11-10. Review status: criteria provided, single submitter. Criteria: Ambry Variant Classification Scheme 2023. Collection method: clinical testing. Allele origin: germline.
Comment: The p.E49Q variant (also known as c.145G>C), located in coding exon 1 of the GALNT12 gene, results from a G to C substitution at nucleotide position 145. The glutamic acid at codon 49 is replaced by glutamine, an amino acid with highly similar properties. This amino acid position is conserved. In addition, this alteration is predicted to be tolerated by in silico analysis. Since supporting evidence is limited at this time, the clinical significance of this alteration remains unclear.